The following is an entry in ClinVar:

ClinVar aggregate classification (germline): Uncertain significance. Review status: criteria provided, multiple submitters, no conflicts (2 of 4 stars). 2 submissions from 2 submitters: Uncertain significance (2). Last evaluated 2024-10-18.

Conditions:
CYP7A1-related disorder. Also called: CYP7A1-related condition.

Allele frequency attached by ClinVar (database versions not stated): gnomAD 0.00001; TOPMed 0.00002; ExAC 0.00009.

Submissions (2):

PreventionGenetics, part of Exact Sciences
Classification: Uncertain significance for CYP7A1-related condition. Last evaluated: 2024-10-18. Review status: criteria provided, single submitter. Criteria: ACMG Guidelines, 2015. Collection method: clinical testing. Allele origin: germline.
Comment: The CYP7A1 c.692C>T variant is predicted to result in the amino acid substitution p.Ala231Val. To our knowledge, this variant has not been reported in the literature. This variant is reported in 0.018% of alleles in individuals of African descent in gnomAD. At this time, the clinical significance of this variant is uncertain due to the absence of conclusive functional and genetic evidence.

Labcorp Genetics (formerly Invitae), Labcorp
Classification: Uncertain significance. Last evaluated: 2022-12-28. Review status: criteria provided, single submitter. Criteria: Invitae Variant Classification Sherloc (09022015). Collection method: clinical testing. Allele origin: germline.
Comment: In summary, the available evidence is currently insufficient to determine the role of this variant in disease. Therefore, it has been classified as a Variant of Uncertain Significance. Advanced modeling of protein sequence and biophysical properties (such as structural, functional, and spatial information, amino acid conservation, physicochemical variation, residue mobility, and thermodynamic stability) performed at Invitae indicates that this missense variant is not expected to disrupt CYP7A1 protein function. This variant has not been reported in the literature in individuals affected with CYP7A1-related conditions. This variant is present in population databases (rs780668040, gnomAD 0.02%). This sequence change replaces alanine, which is neutral and non-polar, with valine, which is neutral and non-polar, at codon 231 of the CYP7A1 protein (p.Ala231Val).

NM_000780.4(CYP7A1):c.692C>T (p.Ala231Val)

Gene: CYP7A1 (cytochrome P450 family 7 subfamily A member 1; minus strand). Cytogenetic location: 8q12.1.
Variant type: single nucleotide variant.
Coding change: c.692C>T on transcript NM_000780.4 (MANE Select); coding-DNA position 692, C replaced by T.
Protein change: p.Ala231Val; replaces alanine 231 with valine.
Molecular consequence: missense variant.
Genome position (GRCh38, 1-based): chr8:58,496,820, G>A on the plus strand (C>T on the coding strand, the complement: CYP7A1 is on the minus strand). VCF-style: chr8-58496820-G-A. GRCh37 (hg19) VCF-style: chr8-59409379-G-A.
Other names: c.692C>T (NM_000780.3); short protein forms A231V.
Identifiers: ClinVar variation 2176403 (VCV002176403.5), dbSNP rs780668040, ClinGen allele CA4756757.